The following is an entry in ClinVar:

NM_001166108.2(PALLD):c.2704C>G (p.Pro902Ala)

Genes: CBR4 (carbonyl reductase 4; minus strand), PALLD (palladin, cytoskeletal associated protein; plus strand). Cytogenetic location: 4q32.3.
Variant type: single nucleotide variant.
Coding change: c.2704C>G on transcript NM_001166108.2 (MANE Select); coding-DNA position 2704, C replaced by G.
Protein change: p.Pro902Ala; replaces proline 902 with alanine.
Molecular consequence: missense variant.
Genome position (GRCh38, 1-based): chr4:168,914,008, C>G. VCF-style: chr4-168914008-C-G. GRCh37 (hg19) VCF-style: chr4-169835159-C-G.
Other names: c.1507C>G, p.Pro503Ala (NM_001166109.2); c.1192C>G, p.Pro398Ala (NM_001166110.2); c.532C>G, p.Pro178Ala (NM_001367567.1, NM_001367569.1); c.583C>G, p.Pro195Ala (NM_001367568.1, NM_001367570.1); c.2653C>G, p.Pro885Ala (NM_016081.4); short protein forms P178A, P398A, P902A, P195A, P503A, P885A.
Identifiers: ClinVar variation 3885276 (VCV003885276.1).

ClinVar aggregate classification (germline): Uncertain significance (1 of 4 stars; one submission).

gnomAD v4.1: 1 of 1,600,892 alleles (0.000062%); highest among the groups gnomAD compares: Non-Finnish European, 0.000086%; no homozygotes.

Submission:

Ambry Genetics
Classification: Uncertain significance. Last evaluated: 2024-12-17. Review status: criteria provided, single submitter. Criteria: Ambry Variant Classification Scheme 2023. Collection method: clinical testing. Allele origin: germline.
Comment: The p.P398A variant (also known as c.1192C>G), located in coding exon 6 of the PALLD gene, results from a C to G substitution at nucleotide position 1192. The proline at codon 398 is replaced by alanine, an amino acid with highly similar properties. This amino acid position is conserved. In addition, this alteration is predicted to be tolerated by in silico analysis. Based on the available evidence, the clinical significance of this variant remains unclear.